The following is an entry in ClinVar:

NM_007194.4(CHEK2):c.721A>G (p.Lys241Glu)

Gene: CHEK2 (checkpoint kinase 2; minus strand). Cytogenetic location: 22q12.1.
Variant type: single nucleotide variant.
Coding change: c.721A>G on transcript NM_007194.4 (MANE Select); coding-DNA position 721, A replaced by G.
Protein change: p.Lys241Glu; replaces lysine 241 with glutamic acid.
Molecular consequence: missense variant.
Genome position (GRCh38, 1-based): chr22:28,711,980, T>C on the plus strand (A>G on the coding strand, the complement: CHEK2 is on the minus strand). VCF-style: chr22-28711980-T-C. GRCh37 (hg19) VCF-style: chr22-29107968-T-C.
Other names: c.850A>G, p.Lys284Glu (NM_001005735.3); c.58A>G, p.Lys20Glu (NM_001257387.3); c.520A>G, p.Lys174Glu (NM_001349956.3); c.721A>G, p.Lys241Glu (NM_145862.3); short protein forms K241E, K174E, K20E, K284E.
Identifiers: ClinVar variation 530083 (VCV000530083.9), dbSNP rs1555921240, ClinGen allele CA411103350.
Genomic context (GRCh38, chr22:28,711,980, plus strand): 5'-CTGAACCAATAGCAAACTTCCTTTTGCTGATGATCTTTATGGCTACTTTCTTACATGTTT[T>C]CCTCTCGAAAGCCAGCTTTACCTCTCCACAGGCACCACTAGAGGGAAAAACAAAGATAGT-3'
Protein context (NP_009125.1, residues 231-251): CGEVKLAFER[Lys241Glu]TCKKVAIKII

ClinVar aggregate classification (germline): Uncertain significance (1 of 4 stars; one submission).

Conditions:
Familial cancer of breast. Also called: BREAST CANCER, FAMILIAL; Hereditary breast cancer; hereditary breast carcinoma. Identifiers: Orphanet 227535, MedGen C0346153, MONDO:0016419, OMIM 114480. Disease mechanism: loss of function.

Submission:

Labcorp Genetics (formerly Invitae), Labcorp
Classification: Uncertain significance for Familial cancer of breast. Last evaluated: 2017-10-14. Review status: criteria provided, single submitter. Criteria: Invitae Variant Classification Sherloc (09022015). Collection method: clinical testing. Allele origin: germline.
Comment: In summary, the available evidence is currently insufficient to determine the role of this variant in disease. Therefore, it has been classified as a Variant of Uncertain Significance. Algorithms developed to predict the effect of missense changes on protein structure and function (SIFT, PolyPhen-2, Align-GVGD) all suggest that this variant is likely to be tolerated, but these predictions have not been confirmed by published functional studies and their clinical significance is uncertain. This variant has not been reported in the literature in individuals with CHEK2-related disease. This variant is not present in population databases (ExAC no frequency). This sequence change replaces lysine with glutamic acid at codon 241 of the CHEK2 protein (p.Lys241Glu). The lysine residue is moderately conserved and there is a small physicochemical difference between lysine and glutamic acid.